The following is an entry in ClinVar:

NM_001384474.1(LOXHD1):c.5574G>A (p.Trp1858Ter)

Gene: LOXHD1 (lipoxygenase homology PLAT domains 1; minus strand). Cytogenetic location: 18q21.1.
Variant type: single nucleotide variant.
Coding change: c.5574G>A on transcript NM_001384474.1 (MANE Select); coding-DNA position 5574, G replaced by A.
Protein change: p.Trp1858Ter; replaces tryptophan 1858 with a stop codon.
Molecular consequence: nonsense.
Genome position (GRCh38, 1-based): chr18:46,507,656, C>T on the plus strand (G>A on the coding strand, the complement: LOXHD1 is on the minus strand). VCF-style: chr18-46507656-C-T. GRCh37 (hg19) VCF-style: chr18-44087619-C-T.
Other names: c.2241G>A, p.Trp747Ter (NM_001145472.3); c.291G>A, p.Trp97Ter (NM_001145473.3, NM_001173129.2); c.1953G>A, p.Trp651Ter (NM_001308013.2); c.5388G>A, p.Trp1796Ter (NM_144612.7); c.5388G>A (NM_144612.6); short protein forms W97*, W1858*, W1796*, W651*, W747*.
Identifiers: ClinVar variation 2758445 (VCV002758445.4), dbSNP rs2511495976, ClinGen allele CA402368189.

ClinVar aggregate classification (germline): Pathogenic/Likely pathogenic. Review status: criteria provided, multiple submitters, no conflicts (2 of 4 stars). 2 submissions from 2 submitters: Pathogenic (1); Likely pathogenic (1). Last evaluated 2024-07-19.

Conditions:
Autosomal recessive nonsyndromic hearing loss 77. Identifiers: Orphanet 90636, MedGen C2746083, MONDO:0013119, OMIM 613079.

Submissions (2):

Natera, Inc.
Classification: Likely pathogenic for Autosomal recessive deafness type 77. Last evaluated: 2024-07-19. Review status: criteria provided, single submitter. Criteria: Natera Variant Classification Schema (03/2026). Collection method: clinical testing. Allele origin: germline.
Comment: The c.5388G>A variant in LOXHD1 is a nonsense variant predicted to introduce a stop codon at amino acid 1796. This variant is expected to result in nonsense mediated decay, truncation, or a dysfunctional protein product. This variant is rare in the general population with a frequency below the threshold expected for the associated phenotype(s). Given the available evidence, this variant is classified as Likely Pathogenic.

Labcorp Genetics (formerly Invitae), Labcorp
Classification: Pathogenic. Last evaluated: 2023-09-06. Review status: criteria provided, single submitter. Criteria: Invitae Variant Classification Sherloc (09022015). Collection method: clinical testing. Allele origin: germline.
Comment: For these reasons, this variant has been classified as Pathogenic. This variant has not been reported in the literature in individuals affected with LOXHD1-related conditions. This variant is not present in population databases (gnomAD no frequency). This sequence change creates a premature translational stop signal (p.Trp1796*) in the LOXHD1 gene. It is expected to result in an absent or disrupted protein product. Loss-of-function variants in LOXHD1 are known to be pathogenic (PMID: 19732867, 21465660, 25792669).

Literature cited by the submitters: PubMed 19732867 (cited by Labcorp Genetics (formerly Invitae), Labcorp); PubMed 21465660 (cited by Labcorp Genetics (formerly Invitae), Labcorp); PubMed 25792669 (cited by Labcorp Genetics (formerly Invitae), Labcorp).